The following is an entry in ClinVar:

NC_000011.10:g.(?_108250691)_(108257616_?)del

Gene: ATM (ATM serine/threonine kinase; plus strand). Cytogenetic location: 11q22.3.
Variant type: Deletion.
Identifiers: ClinVar variation 831614 (VCV000831614.5).

ClinVar aggregate classification (germline): Pathogenic (1 of 4 stars; one submission).

Conditions:
Ataxia-telangiectasia syndrome (AT). Also called: ATAXIA-TELANGIECTASIA, COMPLEMENTATION GROUP A; ATAXIA-TELANGIECTASIA, FRESNO VARIANT; Ataxia-telangiectasia, complementation group E; Ataxia telangiectasia (A-T); LOUIS-BAR SYNDROME; Cerebello-oculocutaneous telangiectasia. Identifiers: Orphanet 100, MedGen C0004135, MONDO:0008840, OMIM 208900.

Submission:

Labcorp Genetics (formerly Invitae), Labcorp
Classification: Pathogenic for Ataxia-telangiectasia syndrome. Last evaluated: 2019-10-23. Review status: criteria provided, single submitter. Criteria: Invitae Variant Classification Sherloc (09022015). Collection method: clinical testing. Allele origin: germline.
Comment: For these reasons, this variant has been classified as Pathogenic. Loss-of-function variants in ATM are known to be pathogenic (PMID: 23807571, 25614872). This variant has not been reported in the literature in individuals with ATM-related conditions. This variant is a gross deletion of the genomic region encompassing exons 1-15 of the ATM gene, which includes the initiator codon. The 5' end of this event is unknown as it extends beyond the assayed region for this gene and therefore may encompass additional genes. The 3' boundary is likely confined to intron 15 of the ATM gene. This is expected to result in an absent or disrupted protein product.

Literature cited by the submitters: PubMed 23807571; PubMed 25614872.